The following is an entry in ClinVar:

NM_000155.4(GALT):c.86A>G (p.His29Arg)

Gene: GALT (galactose-1-phosphate uridylyltransferase; plus strand). Cytogenetic location: 9p13.3.
Variant type: single nucleotide variant.
Coding change: c.86A>G on transcript NM_000155.4 (MANE Select); coding-DNA position 86, A replaced by G.
Protein change: p.His29Arg; replaces histidine 29 with arginine.
Molecular consequence: missense variant. On other transcripts: 5 prime UTR variant (1).
Genome position (GRCh38, 1-based): chr9:34,647,092, A>G. VCF-style: chr9-34647092-A-G. GRCh37 (hg19) VCF-style: chr9-34647089-A-G.
Other names: c.-117A>G (NM_001258332.2); short protein forms H29R.
Identifiers: ClinVar variation 1476671 (VCV001476671.8), dbSNP rs2132341442, ClinGen allele CA373278465.

ClinVar aggregate classification (germline): Likely pathogenic. Review status: criteria provided, multiple submitters, no conflicts (2 of 4 stars). 2 submissions from 2 submitters: Likely pathogenic (2). Last evaluated 2026-01-12.

Conditions:
Deficiency of UDPglucose-hexose-1-phosphate uridylyltransferase. Also called: GALT deficiency; Galactosemia, classic; GALACTOSE-1-PHOSPHATE URIDYLYLTRANSFERASE DEFICIENCY; Transferase Deficiency Galactosemia; GALACTOSEMIA I. Identifiers: Orphanet 352, Orphanet 79239, MedGen C0268151, MONDO:0009258, OMIM 230400.

Allele frequency attached by ClinVar (database versions not stated): gnomAD exomes below 0.00001.
gnomAD v4.1: 2 of 1,614,164 alleles (0.00012%); highest among the groups gnomAD compares: Non-Finnish European, 0.000085%; no homozygotes.

Submissions (2):

Labcorp Genetics (formerly Invitae), Labcorp
Classification: Likely pathogenic for Deficiency of UDPglucose-hexose-1-phosphate uridylyltransferase. Last evaluated: 2026-01-12. Review status: criteria provided, single submitter. Criteria: Invitae Variant Classification Sherloc (09022015). Collection method: clinical testing. Allele origin: germline.
Comment: This sequence change replaces histidine, which is basic and polar, with arginine, which is basic and polar, at codon 29 of the GALT protein (p.His29Arg). This variant is not present in population databases (gnomAD no frequency). This missense change has been observed in individual(s) with GALT-related conditions (PMID: 30718057). ClinVar contains an entry for this variant (Variation ID: 1476671). Invitae Evidence Modeling of protein sequence and biophysical properties (such as structural, functional, and spatial information, amino acid conservation, physicochemical variation, residue mobility, and thermodynamic stability) indicates that this missense variant is expected to disrupt GALT protein function with a positive predictive value of 80%. In summary, the currently available evidence indicates that the variant is pathogenic, but additional data are needed to prove that conclusively. Therefore, this variant has been classified as Likely Pathogenic.

Women's Health and Genetics/Laboratory Corporation of America, LabCorp
Classification: Likely pathogenic for Deficiency of UDPglucose-hexose-1-phosphate uridylyltransferase. Last evaluated: 2025-11-18. Review status: criteria provided, single submitter. Criteria: LabCorp Variant Classification Summary - May 2015. Collection method: clinical testing. Allele origin: germline.
Comment: Variant summary: GALT c.86A>G (p.His29Arg) results in a non-conservative amino acid change in the encoded protein sequence. Algorithms developed to predict the effect of missense changes on protein structure and function all suggest that this variant is likely to be disruptive. The variant was absent in 251342 control chromosomes. c.86A>G has been observed at a compound heterozygous with a second pathogenic variant in two individuals affected with Galactosemia and significantly reduced GALT activity (Demirbas_MGM_2019). These data indicate that the variant may be associated with disease. To our knowledge, no experimental evidence demonstrating an impact on protein function has been reported. The following publication has been ascertained in the context of this evaluation (PMID: 30718057). ClinVar contains an entry for this variant (Variation ID: 1476671). Based on the evidence outlined above, the variant was classified as likely pathogenic.

Literature cited by the submitters: PubMed 30718057 (cited by Labcorp Genetics (formerly Invitae), Labcorp and Women's Health and Genetics/Laboratory Corporation of America, LabCorp).